The following is an entry in ClinVar:

NM_181882.3(PRX):c.4267A>C (p.Ser1423Arg)

Gene: PRX (periaxin; minus strand). Cytogenetic location: 19q13.2.
Variant type: single nucleotide variant.
Coding change: c.4267A>C on transcript NM_181882.3 (MANE Select); coding-DNA position 4267, A replaced by C.
Protein change: p.Ser1423Arg; replaces serine 1423 with arginine.
Molecular consequence: missense variant. On other transcripts: 3 prime UTR variant (1).
Genome position (GRCh38, 1-based): chr19:40,394,085, T>G on the plus strand (A>C on the coding strand, the complement: PRX is on the minus strand). VCF-style: chr19-40394085-T-G. GRCh37 (hg19) VCF-style: chr19-40899992-T-G.
Other names: c.*4472A>C (NM_020956.2); short protein forms S1423R.
Identifiers: ClinVar variation 1376249 (VCV001376249.6), dbSNP rs895345246, ClinGen allele CA405889954.
Genomic context (GRCh38, chr19:40,394,085, plus strand): 5'-AAAACCCCACGCTGGGCAGCCGCACCCGCAATCCACCCTCTTCCTGGTCCCCACTCCCAC[T>G]CCGGGCCTTGGGGCTTAGGGACACCCTGGGGAAGCGGAACTTGGGTGACTTCTCTCTGAC-3'
Protein context (NP_870998.2, residues 1413-1433): PRVSLSPKAR[Ser1423Arg]GSGDQEEGGL

ClinVar aggregate classification (germline): Uncertain significance (1 of 4 stars; one submission).

Conditions:
Charcot-Marie-Tooth disease type 4. Also called: Charcot-Marie-Tooth disease, type IV; Charcot-Marie-Tooth, Type 4. Identifiers: Orphanet 64749, MedGen C4082197, MONDO:0018995.

Allele frequency attached by ClinVar (database versions not stated): gnomAD exomes below 0.00001.
gnomAD v4.1: 1 of 1,611,038 alleles (0.000062%); highest among the groups gnomAD compares: Admixed American, 0.0017%; no homozygotes.

Submission:

Labcorp Genetics (formerly Invitae), Labcorp
Classification: Uncertain significance for Charcot-Marie-Tooth disease type 4. Last evaluated: 2021-08-19. Review status: criteria provided, single submitter. Criteria: Invitae Variant Classification Sherloc (09022015). Collection method: clinical testing. Allele origin: germline.
Comment: This sequence change replaces serine with arginine at codon 1423 of the PRX protein (p.Ser1423Arg). The serine residue is highly conserved and there is a moderate physicochemical difference between serine and arginine. This variant is not present in population databases (ExAC no frequency). In summary, the available evidence is currently insufficient to determine the role of this variant in disease. Therefore, it has been classified as a Variant of Uncertain Significance. Algorithms developed to predict the effect of missense changes on protein structure and function are either unavailable or do not agree on the potential impact of this missense change (SIFT: "Tolerated"; PolyPhen-2: "Possibly Damaging"; Align-GVGD: "Class C0"). This variant has not been reported in the literature in individuals affected with PRX-related conditions.